The following is an entry in ClinVar:

NM_002465.4(MYBPC1):c.2539C>T (p.Arg847Cys)

Gene: MYBPC1 (myosin binding protein C1; plus strand). Cytogenetic location: 12q23.2.
Variant type: single nucleotide variant.
Coding change: c.2539C>T on transcript NM_002465.4 (MANE Select); coding-DNA position 2539, C replaced by T.
Protein change: p.Arg847Cys; replaces arginine 847 with cysteine.
Molecular consequence: missense variant.
Genome position (GRCh38, 1-based): chr12:101,670,335, C>T. VCF-style: chr12-101670335-C-T. GRCh37 (hg19) VCF-style: chr12-102064113-C-T.
Other names: c.2518C>T, p.Arg840Cys (NM_001254718.3, NM_206820.4); c.2464C>T, p.Arg822Cys (NM_001254719.3, NM_206821.4); c.2428C>T, p.Arg810Cys (NM_001254720.3); c.2407C>T, p.Arg803Cys (NM_001254721.3, NM_001404676.1, NM_001404678.1); c.2386C>T, p.Arg796Cys (NM_001254722.3, NM_001404680.1); c.2425C>T, p.Arg809Cys (NM_001254723.3); c.2539C>T, p.Arg847Cys (NM_001404675.1, NM_206819.4); c.2329C>T, p.Arg777Cys (NM_001404677.1, NM_001404679.1, NM_001404681.1); short protein forms R809C, R840C, R810C, R847C, R803C, R822C, R796C, R777C.
Identifiers: ClinVar variation 882293 (VCV000882293.6), dbSNP rs768199021, ClinGen allele CA6745147.

ClinVar aggregate classification (germline): Benign (1 of 4 stars; one submission).

Conditions:
Arthrogryposis, distal, type 1B. Identifiers: Orphanet 1146, MedGen C3280526, MONDO:0013698, OMIM 614335.

Allele frequency attached by ClinVar (database versions not stated): ExAC 0.00003; gnomAD exomes 0.00004.
gnomAD v4.1: 80 of 1,613,700 alleles (0.005%); highest among the groups gnomAD compares: South Asian, 0.024%; no homozygotes.

Submission:

Illumina Laboratory Services, Illumina
Classification: Benign for Arthrogryposis, distal, type 1B. Last evaluated: 2018-01-13. Review status: criteria provided, single submitter. Criteria: ICSL Variant Classification Criteria 13 December 2019. Collection method: clinical testing. Allele origin: germline.
Comment: This variant was observed in the ICSL laboratory as part of a predisposition screen in an ostensibly healthy population. It had not been previously curated by ICSL or reported in the Human Gene Mutation Database (HGMD: prior to June 1st, 2018), and was therefore a candidate for classification through an automated scoring system. Utilizing variant allele frequency, disease prevalence and penetrance estimates, and inheritance mode, an automated score was calculated to assess if this variant is too frequent to cause the disease. Based on the score and internal cut-off values, a variant classified as benign is not then subjected to further curation. The score for this variant resulted in a classification of benign for this disease.